The following is an entry in ClinVar:

NM_004655.4(AXIN2):c.1501G>T (p.Gly501Trp)

Gene: AXIN2 (axin 2; minus strand). Cytogenetic location: 17q24.1.
Variant type: single nucleotide variant.
Coding change: c.1501G>T on transcript NM_004655.4 (MANE Select); coding-DNA position 1501, G replaced by T.
Protein change: p.Gly501Trp; replaces glycine 501 with tryptophan.
Molecular consequence: missense variant.
Genome position (GRCh38, 1-based): chr17:65,537,535, C>A on the plus strand (G>T on the coding strand, the complement: AXIN2 is on the minus strand). VCF-style: chr17-65537535-C-A. GRCh37 (hg19) VCF-style: chr17-63533653-C-A.
Other names: c.1501G>T, p.Gly501Trp (NM_001363813.1); short protein forms G501W.
Identifiers: ClinVar variation 1692849 (VCV001692849.3), dbSNP rs1567755834, ClinGen allele CA400677383.

ClinVar aggregate classification (germline): Uncertain significance. Review status: criteria provided, multiple submitters, no conflicts (2 of 4 stars). 2 submissions from 2 submitters: Uncertain significance (2). Last evaluated 2022-02-26.

Conditions:
Hereditary cancer-predisposing syndrome. Also called: Hereditary neoplastic syndrome; Tumor predisposition; Neoplastic Syndromes, Hereditary; Hereditary Cancer Syndrome. Identifiers: Orphanet 140162, MedGen C0027672, MeSH D009386, MONDO:0015356.

Submissions (2):

Ambry Genetics
Classification: Uncertain significance for Hereditary cancer-predisposing syndrome. Last evaluated: 2022-02-26. Review status: criteria provided, single submitter. Criteria: Ambry Variant Classification Scheme 2023. Collection method: clinical testing. Allele origin: germline.
Comment: The p.G501W variant (also known as c.1501G>T), located in coding exon 5 of the AXIN2 gene, results from a G to T substitution at nucleotide position 1501. The glycine at codon 501 is replaced by tryptophan, an amino acid with highly dissimilar properties. This amino acid position is conserved. In addition, the in silico prediction for this alteration is inconclusive. Since supporting evidence is limited at this time, the clinical significance of this alteration remains unclear.

Sema4
Classification: Uncertain significance for Hereditary cancer-predisposing syndrome. Last evaluated: 2021-05-17. Review status: criteria provided, single submitter. Criteria: Sema4 Curation Guidelines. Collection method: curation. Allele origin: germline.
Comment: The AXIN2 c.1501G>T (p.G501W) variant has not been reported in the literature to our knowledge. It was not observed in the large and broad cohorts of the Genome Aggregation Database (PMID: 32461654). This variant has not been reported in ClinVar. In silico tools suggest the impact of the variant on protein function is inconclusive, though these predictions have not been confirmed by functional studies. The evidence is insufficient to meet ACMG/AMP criteria for classifying the variant as benign or pathogenic. Thus, the clinical significance of this variant is currently uncertain.